The following is an entry in ClinVar:

NM_001365276.2(TNXB):c.143T>G (p.Val48Gly)

Gene: TNXB (tenascin XB; minus strand). Cytogenetic location: 6p21.33.
Variant type: single nucleotide variant.
Coding change: c.143T>G on transcript NM_001365276.2 (MANE Select); coding-DNA position 143, T replaced by G.
Protein change: p.Val48Gly; replaces valine 48 with glycine.
Molecular consequence: missense variant.
Genome position (GRCh38, 1-based): chr6:32,098,056, A>C on the plus strand (T>G on the coding strand, the complement: TNXB is on the minus strand). VCF-style: chr6-32098056-A-C. GRCh37 (hg19) VCF-style: chr6-32065833-A-C.
Other names: c.143T>G, p.Val48Gly (NM_001428335.1, NM_019105.8); short protein forms V48G.
Identifiers: ClinVar variation 4687726 (VCV004687726.1).

ClinVar aggregate classification (germline): Uncertain significance (1 of 4 stars; one submission).

gnomAD v4.1: 5 of 1,606,766 alleles (0.00031%); highest among the groups gnomAD compares: Admixed American, 0.0083%; no homozygotes.

Submission:

Women's Health and Genetics/Laboratory Corporation of America, LabCorp
Classification: Uncertain significance. Last evaluated: 2025-10-27. Review status: criteria provided, single submitter. Criteria: LabCorp Variant Classification Summary - May 2015. Collection method: clinical testing. Allele origin: germline.
Comment: Variant summary: TNXB c.143T>G (p.Val48Gly) results in a non-conservative amino acid change in the encoded protein sequence. Algorithms developed to predict the effect of missense changes on protein structure and function are either unavailable or do not agree on the potential impact of this missense change. The variant allele was found at a frequency of 8.1e-06 in 248046 control chromosomes. The available data on variant occurrences in the general population are insufficient to allow any conclusion about variant significance. To our knowledge, no occurrence of c.143T>G in individuals affected with TNXB-related conditions and no experimental evidence demonstrating its impact on protein function have been reported. No submitters have cited clinical-significance assessments for this variant to ClinVar. Based on the evidence outlined above, the variant was classified as uncertain significance.